The following is an entry in ClinVar:

ClinVar aggregate classification (germline): Likely benign (1 of 4 stars; one submission).

Submission:

CeGaT Center for Human Genetics Tuebingen
Classification: Likely benign. Last evaluated: 2026-08-01. Review status: criteria provided, single submitter. Criteria: CeGaT Center For Human Genetics Tuebingen Variant Classification Criteria Version 2. Collection method: clinical testing. Allele origin: germline. Affected: yes. Observed: 1 variant allele.
Comment: GNB2: BP4, BP7, BS1

NM_005273.4(GNB2):c.432G>A (p.Gly144=)

Gene: GNB2 (G protein subunit beta 2; plus strand). Cytogenetic location: 7q22.1.
Variant type: single nucleotide variant.
Coding change: c.432G>A on transcript NM_005273.4 (MANE Select); coding-DNA position 432, G replaced by A.
Protein change: p.Gly144=; no amino-acid change (glycine 144 retained).
Molecular consequence: synonymous variant.
Genome position (GRCh38, 1-based): chr7:100,677,753, G>A. VCF-style: chr7-100677753-G-A. GRCh37 (hg19) VCF-style: chr7-100275376-G-A.
Identifiers: ClinVar variation 5038567 (VCV005038567.1).
Genomic context (GRCh38, chr7:100,677,753, plus strand): 5'-GGGGTTGGGGGGTGCACTGCCCTCCGTGTGGAGACCTGGCTGACCAGCTCCTTCCCCAGG[G>A]TACCTGTCGTGTTGCCGCTTCCTGGATGACAACCAAATCATCACCAGCTCTGGGGATACC-3'
Protein context (NP_005264.2, residues 134-154): RVSRELPGHT[Gly144=]YLSCCRFLDD